The following is an entry in ClinVar:

ClinVar aggregate classification (germline): Uncertain significance (1 of 4 stars; one submission).

gnomAD v4.1: 20 of 1,211,234 alleles (0.0017%); highest among the groups gnomAD compares: Non-Finnish European, 0.0022%; no homozygotes.

Submission:

Labcorp Genetics (formerly Invitae), Labcorp
Classification: Uncertain significance. Last evaluated: 2025-10-18. Review status: criteria provided, single submitter. Criteria: Invitae Variant Classification Sherloc (09022015). Collection method: clinical testing. Allele origin: germline.
Comment: This sequence change replaces alanine, which is neutral and non-polar, with serine, which is neutral and polar, at codon 540 of the MSN protein (p.Ala540Ser). This variant is present in population databases (rs753213978, gnomAD 0.001%), including at least one homozygous and/or hemizygous individual. This variant has not been reported in the literature in individuals affected with MSN-related conditions. An algorithm developed to predict the effect of missense changes on protein structure and function (PolyPhen-2) suggests that this variant is likely to be tolerated. In summary, the available evidence is currently insufficient to determine the role of this variant in disease. Therefore, it has been classified as a Variant of Uncertain Significance.

NM_002444.3(MSN):c.1618G>T (p.Ala540Ser)

Gene: MSN (moesin; plus strand). Cytogenetic location: Xq12.
Variant type: single nucleotide variant.
Coding change: c.1618G>T on transcript NM_002444.3 (MANE Select); coding-DNA position 1618, G replaced by T.
Protein change: p.Ala540Ser; replaces alanine 540 with serine.
Molecular consequence: missense variant.
Genome position (GRCh38, 1-based): chrX:65,739,777, G>T. VCF-style: chrX-65739777-G-T. GRCh37 (hg19) VCF-style: chrX-64959639-G-T.
Other names: c.1621G>T, p.Ala541Ser (NM_001440778.1); short protein forms A540S, A541S.
Identifiers: ClinVar variation 4701310 (VCV004701310.1).
Genomic context (GRCh38, chrX:65,739,777, plus strand): 5'-ACATCCTCACAGGCCCTCACTTCGGAGCTGGCCAATGCCAGAGATGAGTCCAAGAAGACT[G>T]CCAATGACATGATCCATGCTGAGAACATGCGACTGGGCCGAGACAAATACAAGACCCTGC-3'
Protein context (NP_002435.1, residues 530-550): ANARDESKKT[Ala540Ser]NDMIHAENMR